The following is an entry in ClinVar:

ClinVar aggregate classification (germline): Uncertain significance (1 of 4 stars; one submission).

Conditions:
Familial episodic pain syndrome with predominantly lower limb involvement. Also called: Episodic pain syndrome, familial, 3. Identifiers: Orphanet 391384, Orphanet 391392, MedGen C3809899, MONDO:0014247, OMIM 615552.
Hereditary sensory and autonomic neuropathy type 7. Also called: Neuropathy, hereditary sensory and autonomic, type VII; HSAN VII. Identifiers: Orphanet 391397, MedGen C3809882, MONDO:0014244, OMIM 615548.

gnomAD v4.1: 1 of 1,614,080 alleles (0.000062%); highest among the groups gnomAD compares: African/African-American, 0.0013%; no homozygotes.

Submission:

Labcorp Genetics (formerly Invitae), Labcorp
Classification: Uncertain significance for Familial episodic pain syndrome with predominantly lower limb involvement; Hereditary sensory and autonomic neuropathy type 7. Last evaluated: 2023-05-13. Review status: criteria provided, single submitter. Criteria: Invitae Variant Classification Sherloc (09022015). Collection method: clinical testing. Allele origin: germline.
Comment: This variant has not been reported in the literature in individuals affected with SCN11A-related conditions. This sequence change replaces isoleucine, which is neutral and non-polar, with phenylalanine, which is neutral and non-polar, at codon 1600 of the SCN11A protein (p.Ile1600Phe). This variant is present in population databases (no rsID available, gnomAD 0.01%). Advanced modeling of protein sequence and biophysical properties (such as structural, functional, and spatial information, amino acid conservation, physicochemical variation, residue mobility, and thermodynamic stability) performed at Invitae indicates that this missense variant is expected to disrupt SCN11A protein function. In summary, the available evidence is currently insufficient to determine the role of this variant in disease. Therefore, it has been classified as a Variant of Uncertain Significance.

NM_001349253.2(SCN11A):c.4798A>T (p.Ile1600Phe)

Gene: SCN11A (sodium voltage-gated channel alpha subunit 11; minus strand). Cytogenetic location: 3p22.2.
Variant type: single nucleotide variant.
Coding change: c.4798A>T on transcript NM_001349253.2 (MANE Select); coding-DNA position 4798, A replaced by T.
Protein change: p.Ile1600Phe; replaces isoleucine 1600 with phenylalanine.
Molecular consequence: missense variant.
Genome position (GRCh38, 1-based): chr3:38,847,272, T>A on the plus strand (A>T on the coding strand, the complement: SCN11A is on the minus strand). VCF-style: chr3-38847272-T-A. GRCh37 (hg19) VCF-style: chr3-38888763-T-A.
Other names: c.4798A>T, p.Ile1600Phe (NM_014139.3); short protein forms I1600F.
Identifiers: ClinVar variation 2926366 (VCV002926366.3), dbSNP rs1372910740, ClinGen allele CA352162401.
Genomic context (GRCh38, chr3:38,847,272, plus strand): 5'-CACCCAAAGGGTCCTCACTTTCTTCAGTGGCTGTATTGAAGTTCTCTAAAATCACAGCAA[T>A]GTACATGTTGACAACAATGAGAAAGGAGATGATAATGTAACTGACAAAGTAGGATGTGGC-3'
Protein context (NP_001336182.1, residues 1590-1610): ISFLIVVNMY[Ile1600Phe]AVILENFNTA